The following is an entry in ClinVar:

ClinVar aggregate classification (germline): Uncertain significance (1 of 4 stars; one submission).

Conditions:
Progressive sclerosing poliodystrophy (MTDPS4A). Also called: ALPERS PROGRESSIVE INFANTILE POLIODYSTROPHY; NEURONAL DEGENERATION OF CHILDHOOD WITH LIVER DISEASE, PROGRESSIVE; Mitochondrial DNA depletion syndrome 4A (Alpers type); Alpers Syndrome; ALPERS DIFFUSE DEGENERATION OF CEREBRAL GRAY MATTER WITH HEPATIC CIRRHOSIS; Alpers-Huttenlocher Syndrome. Identifiers: Orphanet 726, MedGen C0205710, MONDO:0008758, OMIM 203700.

Submission:

Labcorp Genetics (formerly Invitae), Labcorp
Classification: Uncertain significance for Progressive sclerosing poliodystrophy. Last evaluated: 2023-10-03. Review status: criteria provided, single submitter. Criteria: Invitae Variant Classification Sherloc (09022015). Collection method: clinical testing. Allele origin: germline.
Comment: This sequence change replaces leucine, which is neutral and non-polar, with proline, which is neutral and non-polar, at codon 455 of the POLG protein (p.Leu455Pro). This variant is not present in population databases (gnomAD no frequency). This variant has not been reported in the literature in individuals affected with POLG-related conditions. Advanced modeling of protein sequence and biophysical properties (such as structural, functional, and spatial information, amino acid conservation, physicochemical variation, residue mobility, and thermodynamic stability) performed at Invitae indicates that this missense variant is expected to disrupt POLG protein function. In summary, the available evidence is currently insufficient to determine the role of this variant in disease. Therefore, it has been classified as a Variant of Uncertain Significance.

NM_002693.3(POLG):c.1364T>C (p.Leu455Pro)

Gene: POLG (DNA polymerase gamma, catalytic subunit; minus strand). Cytogenetic location: 15q26.1.
Variant type: single nucleotide variant.
Coding change: c.1364T>C on transcript NM_002693.3 (MANE Select); coding-DNA position 1364, T replaced by C.
Protein change: p.Leu455Pro; replaces leucine 455 with proline.
Molecular consequence: missense variant.
Genome position (GRCh38, 1-based): chr15:89,327,236, A>G on the plus strand (T>C on the coding strand, the complement: POLG is on the minus strand). VCF-style: chr15-89327236-A-G. GRCh37 (hg19) VCF-style: chr15-89870467-A-G.
Other names: c.1364T>C, p.Leu455Pro (NM_001126131.2); short protein forms L455P.
Identifiers: ClinVar variation 2899447 (VCV002899447.3), dbSNP rs2509256087, ClinGen allele CA393761993.